The following is an entry in ClinVar:

ClinVar aggregate classification (germline): Pathogenic (1 of 4 stars; one submission).

Conditions:
Mucopolysaccharidosis, MPS-II (MPS2). Also called: Mucopolysaccharidosis with skin involvement; Mucopolysaccharidosis Type II; IDS deficiency; Sulfoiduronate sulfatase deficiency; SIDS deficiency; Mucopolysaccharidosis type 2. Identifiers: Orphanet 580, Orphanet 79388, MedGen C0026705, MONDO:0010674, OMIM 309900.

Submission:

Labcorp Genetics (formerly Invitae), Labcorp
Classification: Pathogenic for Mucopolysaccharidosis, MPS-II. Last evaluated: 2019-05-06. Review status: criteria provided, single submitter. Criteria: Invitae Variant Classification Sherloc (09022015). Collection method: clinical testing. Allele origin: germline.
Comment: This sequence change creates a premature translational stop signal (p.Pro218Leufs*9) in the IDS gene. It is expected to result in an absent or disrupted protein product. This variant is not present in population databases (ExAC no frequency). This variant has not been reported in the literature in individuals with IDS-related conditions. Loss-of-function variants in IDS are known to be pathogenic (PMID: 8940265, 9875019). For these reasons, this variant has been classified as Pathogenic.

Literature cited by the submitters: PubMed 8940265; PubMed 9875019.

NM_000202.8(IDS):c.653_654del (p.Pro218fs)

Genes: IDS (iduronate 2-sulfatase; minus strand), LOC106050102 (IDS recombination region; plus strand). Cytogenetic location: Xq28.
Variant type: Deletion.
Coding change: c.653_654del on transcript NM_000202.8 (MANE Select); coding-DNA positions 653 to 654, 2 bases deleted (CT; older notation c.653_654delCT).
Protein change: p.Pro218fs; shifts the reading frame from proline 218.
Molecular consequence: frameshift variant. On other transcripts: non-coding transcript variant (1).
Genome position (GRCh38, 1-based): chrX:149,498,161-149,498,162, AG deleted on the plus strand (CT on the coding strand, the reverse complement: IDS is on the minus strand). VCF-style (leftmost placement, unchanged base first): chrX-149498160-AAG-A. GRCh37 (hg19) VCF-style: chrX-148579691-AAG-A.
Other names: c.383_384del, p.Pro128fs (NM_001166550.4); c.653_654del, p.Pro218fs (NM_006123.5); short protein forms P128fs, P218fs.
Identifiers: ClinVar variation 949135 (VCV000949135.5), dbSNP rs2089450982, ClinGen allele CA1139667817.
Genomic context (GRCh38, chrX:149,498,160, plus strand): 5'-TCTTCACCTTGGGGTATCTGAAGGGGATGTGTGGCTTATGATACCCAACGGCCAGGAAGA[AAG>A]GACTGGCTGACGTTTTCATCTTTTCCAACAACTGTATGGCTTGCTCAGTGCTCTGTTTGT-3'